The following is an entry in ClinVar:

ClinVar aggregate classification (germline): Uncertain significance (1 of 4 stars; one submission).

Conditions:
Autoimmune lymphoproliferative syndrome type 2B. Also called: AUTOIMMUNE LYMPHOPROLIFERATIVE SYNDROME, TYPE IIB. Identifiers: Orphanet 275517, MedGen C1846545, MONDO:0011804, OMIM 607271.

Submission:

Labcorp Genetics (formerly Invitae), Labcorp
Classification: Uncertain significance for Autoimmune lymphoproliferative syndrome type 2B. Last evaluated: 2020-02-04. Review status: criteria provided, single submitter. Criteria: Invitae Variant Classification Sherloc (09022015). Collection method: clinical testing. Allele origin: germline.
Comment: This variant is present in population databases (rs763516126, ExAC 0.001%). This variant has not been reported in the literature in individuals with CASP8-related conditions. This variant, c.428_430del, results in the deletion of 1 amino acid(s) of the CASP8 protein (p.Glu143del), but otherwise preserves the integrity of the reading frame. Algorithms developed to predict the effect of sequence changes on RNA splicing suggest that this variant may create or strengthen a splice site, but this prediction has not been confirmed by published transcriptional studies. In summary, the available evidence is currently insufficient to determine the role of this variant in disease. Therefore, it has been classified as a Variant of Uncertain Significance.

NM_001372051.1(CASP8):c.329AAG[1] (p.Glu111del)

Gene: CASP8 (caspase 8; plus strand). Cytogenetic location: 2q33.1.
Variant type: Microsatellite.
Coding change: c.329AAG[1] on transcript NM_001372051.1 (MANE Select); one copy of the 3-base unit AAG starting at c.329; the reference has two copies in a row; one copy, 3 bases deleted.
Protein change: p.Glu111del; deletes glutamic acid 111.
Molecular consequence: inframe deletion. On other transcripts: inframe indel (2), 5 prime UTR variant (11), non-coding transcript variant (19).
Genome position (GRCh38, 1-based): chr2:201,271,542-201,271,544, AAG deleted; deleting any 3 consecutive bases within chr2:201,271,537-201,271,544 gives the same sequence; the position shown is the placement nearest the transcript's 3' end. VCF-style (leftmost placement, unchanged base first): chr2-201271536-CAGA-C. GRCh37 (hg19) VCF-style: chr2-202136259-CAGA-C.
Other names: c.329AAG[1], p.Glu111del (NM_001080124.2, NM_001400645.1, NM_001400648.1 and 19 more transcripts); c.506AAG[1], p.Glu170del (NM_001080125.2, NM_001400642.1, NM_001400665.1); c.425_427AAG[1], p.Glu143del (NM_001228.5); c.20AAG[1], p.Glu8del (NM_001400669.1); c.-204AAG[1] (NM_001400671.1, NM_001400672.1, NM_001400673.1 and 6 more transcripts); c.-385AAG[1] (NM_001400674.1); c.-283AAG[1] (NM_001400680.1); c.329_331AAG[1], p.Glu111del (NM_033355.4); short protein forms E111del, E143del, E170del, E8del.
Identifiers: ClinVar variation 1001254 (VCV001001254.12), dbSNP rs763516126, ClinGen allele CA2053533.